The following is an entry in ClinVar:

ClinVar aggregate classification (germline): Uncertain significance (1 of 4 stars; one submission).

Conditions:
Inborn genetic diseases. Identifiers: MedGen C0950123, MeSH D030342.

Submission:

Ambry Genetics
Classification: Uncertain significance for Inborn genetic diseases. Last evaluated: 2025-02-05. Review status: criteria provided, single submitter. Criteria: Ambry Variant Classification Scheme 2023. Collection method: clinical testing. Allele origin: germline.
Comment: The p.W312L variant (also known as c.935G>T), located in coding exon 5 of the ERCC6L2 gene, results from a G to T substitution at nucleotide position 935. The tryptophan at codon 312 is replaced by leucine, an amino acid with similar properties. This amino acid position is conserved. In addition, this alteration is predicted to be deleterious by in silico analysis. Based on the available evidence, the clinical significance of this variant remains unclear.

NM_020207.7(ERCC6L2):c.935G>T (p.Trp312Leu)

Gene: ERCC6L2 (ERCC excision repair 6 like 2; plus strand). Cytogenetic location: 9q22.32.
Variant type: single nucleotide variant.
Coding change: c.935G>T on transcript NM_020207.7 (MANE Select); coding-DNA position 935, G replaced by T.
Protein change: p.Trp312Leu; replaces tryptophan 312 with leucine.
Molecular consequence: missense variant. On other transcripts: non-coding transcript variant (1).
Genome position (GRCh38, 1-based): chr9:95,915,814, G>T. VCF-style: chr9-95915814-G-T. GRCh37 (hg19) VCF-style: chr9-98678096-G-T.
Other names: c.935G>T, p.Trp312Leu (NM_001010895.4, NM_001375291.1, NM_001375292.1 and 2 more transcripts); short protein forms W312L.
Identifiers: ClinVar variation 3845920 (VCV003845920.1).